The following is an entry in ClinVar:

ClinVar aggregate classification (germline): Uncertain significance (1 of 4 stars; one submission).

Conditions:
Glucose-6-phosphate transport defect (GSD1B). Also called: Glycogen Storage Disease Type Ib; GSD Ib. Identifiers: Orphanet 364, Orphanet 79259, MedGen C0268146, MONDO:0009288, OMIM 232220.

Submission:

Labcorp Genetics (formerly Invitae), Labcorp
Classification: Uncertain significance for Glucose-6-phosphate transport defect. Last evaluated: 2021-10-19. Review status: criteria provided, single submitter. Criteria: Invitae Variant Classification Sherloc (09022015). Collection method: clinical testing. Allele origin: germline.
Comment: This variant, c.634_636del, results in the deletion of 1 amino acid of the SLC37A4 protein (p.Lys212del), but otherwise preserves the integrity of the reading frame. This variant is present in population databases (rs782141145, ExAC 0.02%). This variant has not been reported in the literature in individuals affected with SLC37A4-related conditions. ClinVar contains an entry for this variant (Variation ID: 578167). Experimental studies and prediction algorithms are not available or were not evaluated, and the functional significance of this variant is currently unknown. In summary, the available evidence is currently insufficient to determine the role of this variant in disease. Therefore, it has been classified as a Variant of Uncertain Significance.

NM_001164277.2(SLC37A4):c.634_636del (p.Lys212del)

Gene: SLC37A4 (solute carrier family 37 member 4; minus strand). Cytogenetic location: 11q23.3.
Variant type: Deletion.
Coding change: c.634_636del on transcript NM_001164277.2 (MANE Select); coding-DNA positions 634 to 636, 3 bases deleted (AAG; older notation c.634_636delAAG).
Protein change: p.Lys212del; deletes lysine 212.
Molecular consequence: inframe deletion.
Genome position (GRCh38, 1-based): chr11:119,027,085-119,027,087, CTT deleted on the plus strand (AAG on the coding strand, the reverse complement: SLC37A4 is on the minus strand); deleting any 3 consecutive bases within chr11:119,027,085-119,027,088 gives the same sequence; the c. name uses the placement nearest the transcript's 3' end. VCF-style (leftmost placement, unchanged base first): chr11-119027084-CCTT-C. GRCh37 (hg19) VCF-style: chr11-118897794-CCTT-C.
Other names: c.634_636del, p.Lys212del (NM_001164278.2, NM_001164280.2, NM_001467.6); c.415_417del, p.Lys139del (NM_001164279.2); c.634_636delAAG (NM_001164277.1); short protein forms K212del, K139del.
Identifiers: ClinVar variation 578167 (VCV000578167.5), dbSNP rs782141145, ClinGen allele CA6311763.